The following is an entry in ClinVar:

ClinVar aggregate classification (germline): Pathogenic (1 of 4 stars; one submission).

Conditions:
Duchenne muscular dystrophy (DMD). Also called: MUSCULAR DYSTROPHY, PSEUDOHYPERTROPHIC PROGRESSIVE, DUCHENNE TYPE; Duchenne Muscular Dystrophy (DMD). Identifiers: Orphanet 98896, MedGen C0013264, MONDO:0010679, OMIM 310200.

Submission:

Labcorp Genetics (formerly Invitae), Labcorp
Classification: Pathogenic for Duchenne muscular dystrophy. Last evaluated: 2024-01-14. Review status: criteria provided, single submitter. Criteria: Invitae Variant Classification Sherloc (09022015). Collection method: clinical testing. Allele origin: unknown.
Comment: This variant results in a copy number gain of the genomic region encompassing exon(s) 2-7 of the DMD gene. While the exact position of this variant cannot be determined from the data, sub-genic copy number gains are generally in tandem (PMID: 25640679). This variant is predicted to be in-frame, and likely preserves the integrity of the reading frame. A similar copy number variant has been observed in individuals with cardiomyopathy and Becker muscular dystrophy (PMID: 2063877, 2316519, 8034300, 9441825, 16917894, 18752307, 26911353). It has also been observed to segregate with disease in related individuals. For these reasons, this variant has been classified as Pathogenic.

Literature cited by the submitters: PubMed 25640679; PubMed 2063877; PubMed 2316519; PubMed 8034300; PubMed 9441825; PubMed 16917894; PubMed 18752307; PubMed 26911353.

NC_000023.10:g.(?_32756908)_(33192452_?)dup

Gene: DMD (dystrophin; minus strand). Cytogenetic location: Xp21.1.
Variant type: Duplication.
Identifiers: ClinVar variation 3242909 (VCV003242909.1).